The following is an entry in ClinVar:

ClinVar aggregate classification (germline): Uncertain significance (1 of 4 stars; one submission).

Conditions:
Hypertrophic cardiomyopathy 14. Identifiers: MedGen C2750467, MONDO:0013197, OMIM 613251.

Submission:

Labcorp Genetics (formerly Invitae), Labcorp
Classification: Uncertain significance for Hypertrophic cardiomyopathy 14. Last evaluated: 2024-06-29. Review status: criteria provided, single submitter. Criteria: Invitae Variant Classification Sherloc (09022015). Collection method: clinical testing. Allele origin: germline.
Comment: This variant, c.3439_3441del, results in the deletion of 1 amino acid(s) of the MYH6 protein (p.Glu1147del), but otherwise preserves the integrity of the reading frame. This variant is not present in population databases (gnomAD no frequency). This variant has not been reported in the literature in individuals affected with MYH6-related conditions. Experimental studies and prediction algorithms are not available or were not evaluated, and the functional significance of this variant is currently unknown. In summary, the available evidence is currently insufficient to determine the role of this variant in disease. Therefore, it has been classified as a Variant of Uncertain Significance.

NM_002471.4(MYH6):c.3436GAG[1] (p.Glu1147del)

Gene: MYH6 (myosin heavy chain 6; minus strand). Cytogenetic location: 14q11.2.
Variant type: Microsatellite.
Coding change: c.3436GAG[1] on transcript NM_002471.4 (MANE Select); one copy of the 3-base unit GAG starting at c.3436; the reference has two copies in a row; one copy, 3 bases deleted.
Protein change: p.Glu1147del; deletes glutamic acid 1147.
Genome position (GRCh38, 1-based): chr14:23,390,348-23,390,350, CTC deleted on the plus strand (GAG on the coding strand, the reverse complement: MYH6 is on the minus strand); deleting any 3 consecutive bases within chr14:23,390,348-23,390,354 gives the same sequence; the position shown is the placement nearest the transcript's 3' end. VCF-style (leftmost placement, unchanged base first): chr14-23390347-TCTC-T. GRCh37 (hg19) VCF-style: chr14-23859556-TCTC-T.
Other names: short protein forms E1147del.
Identifiers: ClinVar variation 3664731 (VCV003664731.2).